The following is an entry in ClinVar:

ClinVar aggregate classification (germline): Benign/Likely benign. Review status: criteria provided, multiple submitters, no conflicts (2 of 4 stars). 3 submissions from 3 submitters: Benign (1); Likely benign (2). Last evaluated 2025-04-08.

Conditions:
Hereditary cancer-predisposing syndrome. Also called: Neoplastic Syndromes, Hereditary; Hereditary neoplastic syndrome; Hereditary Cancer Syndrome; Tumor predisposition. Identifiers: Orphanet 140162, MedGen C0027672, MeSH D009386, MONDO:0015356.
Tuberous sclerosis 1 (TSC1). Identifiers: Orphanet 805, MedGen C1854465, MONDO:0008612, OMIM 191100.

Allele frequency attached by ClinVar (database versions not stated): gnomAD exomes below 0.00001.
gnomAD v4.1: 1 of 1,614,188 alleles (0.000062%); highest among the groups gnomAD compares: Non-Finnish European, 0.000085%; no homozygotes.

Submissions (3):

Myriad Genetics, Inc.
Classification: Benign for Tuberous sclerosis 1. Last evaluated: 2025-04-08. Review status: criteria provided, single submitter. Criteria: Myriad Autosomal Dominant, Autosomal Recessive and X-Linked Classification Criteria (2023). Collection method: clinical testing. Allele origin: unknown.
Comment: This variant is considered benign. This variant is a silent/synonymous amino acid change and it is not expected to impact splicing.

Ambry Genetics
Classification: Likely benign for Hereditary cancer-predisposing syndrome. Last evaluated: 2024-12-08. Review status: criteria provided, single submitter. Criteria: Ambry Variant Classification Scheme 2023. Collection method: clinical testing. Allele origin: germline.

Labcorp Genetics (formerly Invitae), Labcorp
Classification: Likely benign for Tuberous sclerosis 1. Last evaluated: 2021-12-24. Review status: criteria provided, single submitter. Criteria: Invitae Variant Classification Sherloc (09022015). Collection method: clinical testing. Allele origin: germline.

NM_000368.5(TSC1):c.330A>T (p.Ala110=)

Gene: TSC1 (TSC complex subunit 1; minus strand). Cytogenetic location: 9q34.13.
Variant type: single nucleotide variant.
Coding change: c.330A>T on transcript NM_000368.5 (MANE Select); coding-DNA position 330, A replaced by T.
Protein change: p.Ala110=; no amino-acid change (alanine 110 retained).
Molecular consequence: synonymous variant. On other transcripts: 5 prime UTR variant (1), intron variant (1).
Genome position (GRCh38, 1-based): chr9:132,925,620, T>A on the plus strand (A>T on the coding strand, the complement: TSC1 is on the minus strand). VCF-style: chr9-132925620-T-A. GRCh37 (hg19) VCF-style: chr9-135801007-T-A.
Other names: c.330A>T (NM_000368.4); c.330A>T, p.Ala110= (NM_001162426.2); c.-34A>T (NM_001362177.2); c.210+1581A>T (NM_001162427.2).
Identifiers: ClinVar variation 1087396 (VCV001087396.11), dbSNP rs2132231516, ClinGen allele CA467594143.